The following is an entry in ClinVar:

NM_000143.4(FH):c.159A>G (p.Glu53=)

Gene: FH (fumarate hydratase; minus strand). Cytogenetic location: 1q43.
Variant type: single nucleotide variant.
Coding change: c.159A>G on transcript NM_000143.4 (MANE Select); coding-DNA position 159, A replaced by G.
Protein change: p.Glu53=; no amino-acid change (glutamic acid 53 retained).
Molecular consequence: synonymous variant.
Genome position (GRCh38, 1-based): chr1:241,517,290, T>C on the plus strand (A>G on the coding strand, the complement: FH is on the minus strand). VCF-style: chr1-241517290-T-C. GRCh37 (hg19) VCF-style: chr1-241680590-T-C.
Identifiers: ClinVar variation 948920 (VCV000948920.13), dbSNP rs202056884, ClinGen allele CA40336029.

ClinVar aggregate classification (germline): Benign/Likely benign. Review status: criteria provided, multiple submitters, no conflicts (2 of 4 stars). 3 submissions from 3 submitters: Benign (1); Likely benign (2). Last evaluated 2026-01-26.

Conditions:
Hereditary leiomyomatosis and renal cell cancer. Also called: LEIOMYOMA, MULTIPLE CUTANEOUS; Familial leiomyomatosis; MULTIPLE CUTANEOUS AND UTERINE LEIOMYOMATA 1, WITH OR WITHOUT RENAL CELL CARCINOMA; Multiple cutaneous leiomyomas; FH tumor predisposition syndrome; Reed syndrome. Identifiers: Orphanet 523, MedGen C1708350, MONDO:0007888, OMIM 150800, HP:0007437. Disease mechanism: loss of function.
Hereditary cancer-predisposing syndrome. Also called: Hereditary neoplastic syndrome; Neoplastic Syndromes, Hereditary; Hereditary Cancer Syndrome; Tumor predisposition. Identifiers: Orphanet 140162, MedGen C0027672, MeSH D009386, MONDO:0015356.

Allele frequency attached by ClinVar (database versions not stated): gnomAD exomes below 0.00001 and 0.00001; gnomAD 0.00004; TOPMed 0.00004.
gnomAD v4.1: 8 of 1,614,022 alleles (0.0005%); highest among the groups gnomAD compares: African/African-American, 0.011%; no homozygotes.

Submissions (3):

Labcorp Genetics (formerly Invitae), Labcorp
Classification: Likely benign. Last evaluated: 2026-01-26. Review status: criteria provided, single submitter. Criteria: Invitae Variant Classification Sherloc (09022015). Collection method: clinical testing. Allele origin: germline.

Myriad Genetics, Inc.
Classification: Benign for Hereditary leiomyomatosis and renal cell cancer. Last evaluated: 2024-10-17. Review status: criteria provided, single submitter. Criteria: Myriad Autosomal Dominant, Autosomal Recessive and X-Linked Classification Criteria (2023). Collection method: clinical testing. Allele origin: unknown.
Comment: This variant is considered benign. This variant is a silent/synonymous amino acid change and it is not expected to impact splicing.

Ambry Genetics
Classification: Likely benign for Hereditary cancer-predisposing syndrome. Last evaluated: 2022-06-09. Review status: criteria provided, single submitter. Criteria: Ambry Variant Classification Scheme 2023. Collection method: clinical testing. Allele origin: germline.